The following is an entry in ClinVar:

NM_000038.6(APC):c.6106G>T (p.Asp2036Tyr)

Gene: APC (APC regulator of Wnt signaling pathway; plus strand). Cytogenetic location: 5q22.2.
Variant type: single nucleotide variant.
Coding change: c.6106G>T on transcript NM_000038.6 (MANE Select); coding-DNA position 6106, G replaced by T.
Protein change: p.Asp2036Tyr; replaces aspartic acid 2036 with tyrosine.
Molecular consequence: missense variant. On other transcripts: non-coding transcript variant (2).
Genome position (GRCh38, 1-based): chr5:112,841,700, G>T. VCF-style: chr5-112841700-G-T. GRCh37 (hg19) VCF-style: chr5-112177397-G-T.
Other names: c.5929G>T, p.Asp1977Tyr (NM_001407453.1, NM_001354901.2); c.5857G>T, p.Asp1953Tyr (NM_001407454.1, NM_001407455.1, NM_001407456.1 and 1 more transcripts); c.5803G>T, p.Asp1935Tyr (NM_001407459.1, NM_001407458.1, NM_001407460.1 and 1 more transcripts); c.5719G>T, p.Asp1907Tyr (NM_001407469.1, NM_001407467.1); c.6106G>T, p.Asp2036Tyr (NM_001127510.3, NM_001354895.2, NM_001407450.1); c.6052G>T, p.Asp2018Tyr (NM_001127511.3); c.6160G>T, p.Asp2054Tyr (NM_001354896.2, NM_001407447.1, NM_001407448.1 and 1 more transcripts); c.6136G>T, p.Asp2046Tyr (NM_001354897.2); and 11 more; short protein forms D1995Y, D2008Y, D2011Y, D2029Y, D1876Y, D1935Y, D2026Y, D2046Y.
Identifiers: ClinVar variation 2752692 (VCV002752692.3), dbSNP rs1312511221, ClinGen allele CA16034698.

ClinVar aggregate classification (germline): Uncertain significance (1 of 4 stars; one submission).

Conditions:
Familial adenomatous polyposis 1 (FAP1). Also called: POLYPOSIS, ADENOMATOUS INTESTINAL; FAMILIAL ADENOMATOUS POLYPOSIS 1, ATTENUATED. Identifiers: MedGen C2713442, MONDO:0021056, OMIM 175100. Disease mechanism: loss of function.

Submission:

Labcorp Genetics (formerly Invitae), Labcorp
Classification: Uncertain significance for Familial adenomatous polyposis 1. Last evaluated: 2023-08-16. Review status: criteria provided, single submitter. Criteria: Invitae Variant Classification Sherloc (09022015). Collection method: clinical testing. Allele origin: germline.
Comment: This sequence change replaces aspartic acid, which is acidic and polar, with tyrosine, which is neutral and polar, at codon 2036 of the APC protein (p.Asp2036Tyr). In summary, the available evidence is currently insufficient to determine the role of this variant in disease. Therefore, it has been classified as a Variant of Uncertain Significance. Advanced modeling of protein sequence and biophysical properties (such as structural, functional, and spatial information, amino acid conservation, physicochemical variation, residue mobility, and thermodynamic stability) performed at Invitae indicates that this missense variant is not expected to disrupt APC protein function. This variant has not been reported in the literature in individuals affected with APC-related conditions. This variant is not present in population databases (gnomAD no frequency).